The following is an entry in ClinVar:

NM_032816.5(CEP89):c.1607A>G (p.Glu536Gly)

Gene: CEP89 (centrosomal protein 89; minus strand). Cytogenetic location: 19q13.11.
Variant type: single nucleotide variant.
Coding change: c.1607A>G on transcript NM_032816.5 (MANE Select); coding-DNA position 1607, A replaced by G.
Protein change: p.Glu536Gly; replaces glutamic acid 536 with glycine.
Molecular consequence: missense variant.
Genome position (GRCh38, 1-based): chr19:32,901,371, T>C on the plus strand (A>G on the coding strand, the complement: CEP89 is on the minus strand). VCF-style: chr19-32901371-T-C. GRCh37 (hg19) VCF-style: chr19-33392277-T-C.
Other names: short protein forms E536G.
Identifiers: ClinVar variation 1946368 (VCV001946368.5), dbSNP rs1037891082, ClinGen allele CA307505584.

ClinVar aggregate classification (germline): Uncertain significance (1 of 4 stars; one submission).

Allele frequency attached by ClinVar (database versions not stated): gnomAD 0.00001; gnomAD exomes 0.00001; TOPMed 0.00001.
gnomAD v4.1: 20 of 1,613,940 alleles (0.0012%); highest among the groups gnomAD compares: Non-Finnish European, 0.0015%; no homozygotes.

Submission:

Labcorp Genetics (formerly Invitae), Labcorp
Classification: Uncertain significance. Last evaluated: 2022-05-06. Review status: criteria provided, single submitter. Criteria: Invitae Variant Classification Sherloc (09022015). Collection method: clinical testing. Allele origin: germline.
Comment: In summary, the available evidence is currently insufficient to determine the role of this variant in disease. Therefore, it has been classified as a Variant of Uncertain Significance. Algorithms developed to predict the effect of missense changes on protein structure and function are either unavailable or do not agree on the potential impact of this missense change (SIFT: "Deleterious"; PolyPhen-2: "Possibly Damaging"; Align-GVGD: "Class C0"). This variant has not been reported in the literature in individuals affected with CEP89-related conditions. This variant is present in population databases (no rsID available, gnomAD 0.0009%). This sequence change replaces glutamic acid, which is acidic and polar, with glycine, which is neutral and non-polar, at codon 536 of the CEP89 protein (p.Glu536Gly).